The following is an entry in ClinVar:

NM_020184.4(CNNM4):c.1321A>G (p.Ile441Val)

Gene: CNNM4 (cyclin and CBS domain divalent metal cation transport mediator 4; plus strand). Cytogenetic location: 2q11.2.
Variant type: single nucleotide variant.
Coding change: c.1321A>G on transcript NM_020184.4 (MANE Select); coding-DNA position 1321, A replaced by G.
Protein change: p.Ile441Val; replaces isoleucine 441 with valine.
Molecular consequence: missense variant.
Genome position (GRCh38, 1-based): chr2:96,762,320, A>G. VCF-style: chr2-96762320-A-G. GRCh37 (hg19) VCF-style: chr2-97428057-A-G.
Other names: short protein forms I441V.
Identifiers: ClinVar variation 2097834 (VCV002097834.4), dbSNP rs2469456226, ClinGen allele CA347717456.
Genomic context (GRCh38, chr2:96,762,320, plus strand): 5'-ATTCTCTACGTCAAAGACTTGGCCTTTGTGGACCCCGATGACTGCACCCCCCTCAAGACT[A>G]TCACTCGCTTCTATAACCACCCGGTGCACTTTGTCTTCCATGACACCAAGTTGGATGCCA-3'
Protein context (NP_064569.3, residues 431-451): DPDDCTPLKT[Ile441Val]TRFYNHPVHF

ClinVar aggregate classification (germline): Uncertain significance (1 of 4 stars; one submission).

Allele frequency attached by ClinVar (database versions not stated): gnomAD exomes below 0.00001.
gnomAD v4.1: 1 of 1,614,114 alleles (0.000062%); highest among the groups gnomAD compares: East Asian, 0.0022%; no homozygotes.

Submission:

Labcorp Genetics (formerly Invitae), Labcorp
Classification: Uncertain significance. Last evaluated: 2022-02-17. Review status: criteria provided, single submitter. Criteria: Invitae Variant Classification Sherloc (09022015). Collection method: clinical testing. Allele origin: germline.
Comment: In summary, the available evidence is currently insufficient to determine the role of this variant in disease. Therefore, it has been classified as a Variant of Uncertain Significance. Algorithms developed to predict the effect of missense changes on protein structure and function (SIFT, PolyPhen-2, Align-GVGD) all suggest that this variant is likely to be tolerated. This variant has not been reported in the literature in individuals affected with CNNM4-related conditions. This variant is not present in population databases (gnomAD no frequency). This sequence change replaces isoleucine, which is neutral and non-polar, with valine, which is neutral and non-polar, at codon 441 of the CNNM4 protein (p.Ile441Val).